The following is an entry in ClinVar:

ClinVar aggregate classification (germline): Uncertain significance (1 of 4 stars; one submission).

Submission:

GeneDx
Classification: Uncertain significance. Last evaluated: 2021-01-14. Review status: criteria provided, single submitter. Criteria: GeneDx Variant Classification Process June 2021. Collection method: clinical testing. Allele origin: germline. Affected: yes.
Comment: Not observed in large population cohorts (Lek et al., 2016); In silico analysis, which includes splice predictors and evolutionary conservation, suggests this variant may impact gene splicing. In the absence of RNA/functional studies, the actual effect of this sequence change is unknown.; Has not been previously published as pathogenic or benign to our knowledge

NM_001378183.1(PIEZO2):c.5652G>A (p.Val1884=)

Gene: PIEZO2 (piezo type mechanosensitive ion channel component 2; minus strand). Cytogenetic location: 18p11.22.
Variant type: single nucleotide variant.
Coding change: c.5652G>A on transcript NM_001378183.1 (MANE Select); coding-DNA position 5652, G replaced by A.
Protein change: p.Val1884=; no amino-acid change (valine 1884 retained).
Molecular consequence: synonymous variant.
Genome position (GRCh38, 1-based): chr18:10,705,683, C>T on the plus strand (G>A on the coding strand, the complement: PIEZO2 is on the minus strand). VCF-style: chr18-10705683-C-T. GRCh37 (hg19) VCF-style: chr18-10705681-C-T.
Other names: c.5313G>A, p.Val1771= (NM_022068.4).
Identifiers: ClinVar variation 1313793 (VCV001313793.2), dbSNP rs2143788239, ClinGen allele CA503243014.
Genomic context (GRCh38, chr18:10,705,683, plus strand): 5'-CTCCTTGGCCTCCCTGGGCTCAGGCGCCGTGCTCCCTGCCTCCTCCTCCTGCTCAGCCTC[C>T]ACCTCCTCGATGGTCTCAGTGGTCCCCTGGCGTGAGTACAGCATGGTACACTGCGTGGGC-3'
Protein context (NP_001365112.1, residues 1874-1894): RQGTTETIEE[Val1884=]EAEQEEEAGS